The following is an entry in ClinVar:

NM_001244710.2(GFPT1):c.408+107T>G

Gene: GFPT1 (glutamine--fructose-6-phosphate transaminase 1; minus strand). Cytogenetic location: 2p13.3.
Variant type: single nucleotide variant.
Coding change: c.408+107T>G on transcript NM_001244710.2 (MANE Select); 107 bases into the intron after coding-DNA position 408, T replaced by G.
Molecular consequence: intron variant.
Genome position (GRCh38, 1-based): chr2:69,359,161, A>C on the plus strand (T>G on the coding strand, the complement: GFPT1 is on the minus strand). VCF-style: chr2-69359161-A-C. GRCh37 (hg19) VCF-style: chr2-69586293-A-C.
Other names: NC_000002.11:g.69586293A>C; c.408+107T>G (NM_002056.4).
Identifiers: ClinVar variation 681304 (VCV000681304.3), dbSNP rs6546505, ClinGen allele CA11117555.
Genomic context (GRCh38, chr2:69,359,161, plus strand): 5'-CACTGTTAGCAAAGAAAAATCCAATAAACCACCGTGCCCTTGGAATTGTCCAAGAAATTA[A>C]TTGATGACACACATATGGTGTTTGTTGCACATCCCAACAACCGACCCCAGTGCTCTCGTT-3'

ClinVar aggregate classification (germline): Benign. Review status: criteria provided, multiple submitters, no conflicts (2 of 4 stars). 2 submissions from 2 submitters: Benign (2). Last evaluated 2018-06-16.

Allele frequency attached by ClinVar (database versions not stated): gnomAD 0.65886 and 0.65196; TOPMed 0.65910; gnomAD exomes 0.58366; 1000 Genomes Project 0.64696; 1000 Genomes Project 30x 0.65412.
gnomAD v4.1: 439,703 of 734,698 alleles (60%); highest among the groups gnomAD compares: African/African-American, 85%; 134,424 homozygotes.

Submissions (4):

GeneDx
Classification: Benign. Last evaluated: 2018-06-16. Review status: criteria provided, single submitter. Criteria: GeneDx Variant Classification (06012015). Collection method: clinical testing. Allele origin: germline. Affected: yes.
Comment: This variant is considered likely benign or benign based on one or more of the following criteria: it is a conservative change, it occurs at a poorly conserved position in the protein, it is predicted to be benign by multiple in silico algorithms, and/or has population frequency not consistent with disease.

Breakthrough Genomics
Classification: Benign. Review status: criteria provided, single submitter. Criteria: ACMG Guidelines, 2015. Collection method: not provided. Allele origin: germline. Inheritance: Autosomal recessive inheritance. Affected: yes.

Dr. Peter K. Rogan Lab, Western University
No classification provided (evidence only). Condition: Hepatocellular carcinoma. Review status: no classification provided. Collection method: in vitro. Allele origin: not applicable. Functional consequence: retained intron. Not counted in ClinVar's aggregate classification.

Dr. Peter K. Rogan Lab, Western University
No classification provided (evidence only). Condition: Hepatocellular carcinoma. Review status: no classification provided. Collection method: in vitro. Allele origin: not applicable. Functional consequence: retained intron. Not counted in ClinVar's aggregate classification.